The following is an entry in ClinVar:

NM_003748.4(ALDH4A1):c.1050G>C (p.Ala350=)

Gene: ALDH4A1 (aldehyde dehydrogenase 4 family member A1; minus strand). Cytogenetic location: 1p36.13.
Variant type: single nucleotide variant.
Coding change: c.1050G>C on transcript NM_003748.4 (MANE Select); coding-DNA position 1050, G replaced by C.
Protein change: p.Ala350=; no amino-acid change (alanine 350 retained).
Molecular consequence: synonymous variant.
Genome position (GRCh38, 1-based): chr1:18,877,503, C>G on the plus strand (G>C on the coding strand, the complement: ALDH4A1 is on the minus strand). VCF-style: chr1-18877503-C-G. GRCh37 (hg19) VCF-style: chr1-19203997-C-G.
Other names: c.870G>C, p.Ala290= (NM_001161504.2); c.1050G>C, p.Ala350= (NM_001319218.2, NM_170726.3).
Identifiers: ClinVar variation 294382 (VCV000294382.17), dbSNP rs2230705, ClinGen allele CA647094.
Genomic context (GRCh38, chr1:18,877,503, plus strand): 5'-CTCCAGCAGCCGCCCTTTGATCTGCGGCCACAGCGAGTGCGGCACGTAGAGACGCGAGCA[C>G]GCGGAACACTTCTGGCCACCGTACTCGAAGGCTGAGCGGAGGGTCCCGCTCACCACGCTC-3'
Protein context (NP_003739.2, residues 340-360): AFEYGGQKCS[Ala350=]CSRLYVPHSL

ClinVar aggregate classification (germline): Benign. Review status: criteria provided, multiple submitters, no conflicts (2 of 4 stars). 4 submissions from 4 submitters: Benign (4). Last evaluated 2026-02-03.

Conditions:
Hyperprolinemia type 2 (HYRPRO2). Also called: 1-PYRROLINE-5-CARBOXYLATE DEHYDROGENASE DEFICIENCY; Deficiency of pyrroline-5-carboxylate reductase; Delta-1-pyrroline-5-carboxylate dehydrogenase deficiency. Identifiers: Orphanet 79101, MedGen C2931835, MONDO:0009401, OMIM 239510.

Allele frequency attached by ClinVar (database versions not stated): 1000 Genomes Project 0.64157; 1000 Genomes Project 30x 0.65147; gnomAD exomes 0.68946; TOPMed 0.70496; ExAC 0.70717; ESP Exome Variant Server 0.71154; gnomAD 0.71986.

Submissions (4):

Labcorp Genetics (formerly Invitae), Labcorp
Classification: Benign for Hyperprolinemia type 2. Last evaluated: 2026-02-03. Review status: criteria provided, single submitter. Criteria: Invitae Variant Classification Sherloc (09022015). Collection method: clinical testing. Allele origin: germline.

Genome-Nilou Lab
Classification: Benign for Hyperprolinemia type 2. Last evaluated: 2021-07-14. Review status: criteria provided, single submitter. Criteria: ACMG Guidelines, 2015. Collection method: clinical testing. Allele origin: germline. Affected: no.

Illumina Laboratory Services, Illumina
Classification: Benign for Hyperprolinemia type 2. Last evaluated: 2018-01-12. Review status: criteria provided, single submitter. Criteria: ICSL Variant Classification Criteria 13 December 2019. Collection method: clinical testing. Allele origin: germline.
Comment: This variant was observed in the ICSL laboratory as part of a predisposition screen in an ostensibly healthy population. It had not been previously curated by ICSL or reported in the Human Gene Mutation Database (HGMD: prior to June 1st, 2018), and was therefore a candidate for classification through an automated scoring system. Utilizing variant allele frequency, disease prevalence and penetrance estimates, and inheritance mode, an automated score was calculated to assess if this variant is too frequent to cause the disease. Based on the score and internal cut-off values, a variant classified as benign is not then subjected to further curation. The score for this variant resulted in a classification of benign for this disease.

Breakthrough Genomics
Classification: Benign. Review status: criteria provided, single submitter. Criteria: ACMG Guidelines, 2015. Collection method: not provided. Allele origin: germline. Inheritance: Autosomal recessive inheritance. Affected: yes.